The following is an entry in ClinVar:

NM_000388.4(CASR):c.2996A>G (p.Glu999Gly)

Gene: CASR (calcium sensing receptor; plus strand). Cytogenetic location: 3q21.1.
Variant type: single nucleotide variant.
Coding change: c.2996A>G on transcript NM_000388.4 (MANE Select); coding-DNA position 2996, A replaced by G.
Protein change: p.Glu999Gly; replaces glutamic acid 999 with glycine.
Molecular consequence: missense variant.
Genome position (GRCh38, 1-based): chr3:122,284,950, A>G. VCF-style: chr3-122284950-A-G. GRCh37 (hg19) VCF-style: chr3-122003797-A-G.
Other names: c.3026A>G, p.Glu1009Gly (NM_001178065.2); short protein forms E1009G, E999G.
Identifiers: ClinVar variation 946792 (VCV000946792.10), dbSNP rs201052958, ClinGen allele CA354161227.

ClinVar aggregate classification (germline): Uncertain significance (1 of 4 stars; one submission).

Conditions:
Familial hypocalciuric hypercalcemia (FHH). Also called: Familial benign hypercalcemia. Identifiers: Orphanet 405, MedGen C1809471, MONDO:0018458.
Autosomal dominant hypocalcemia 1 (HYPOC1). Also called: HYPOCALCEMIA, FAMILIAL. Identifiers: MedGen C3715128, MONDO:0011013, OMIM 601198.

gnomAD v4.1: 1 of 1,614,060 alleles (0.000062%); highest among the groups gnomAD compares: East Asian, 0.0022%; no homozygotes.

Submission:

Labcorp Genetics (formerly Invitae), Labcorp
Classification: Uncertain significance for Familial hypocalciuric hypercalcemia; Autosomal dominant hypocalcemia 1. Last evaluated: 2023-07-08. Review status: criteria provided, single submitter. Criteria: Invitae Variant Classification Sherloc (09022015). Collection method: clinical testing. Allele origin: germline.
Comment: This sequence change replaces glutamic acid, which is acidic and polar, with glycine, which is neutral and non-polar, at codon 999 of the CASR protein (p.Glu999Gly). The frequency data for this variant in the population databases is considered unreliable, as metrics indicate poor data quality at this position in the gnomAD database. This variant has not been reported in the literature in individuals affected with CASR-related conditions. ClinVar contains an entry for this variant (Variation ID: 946792). An algorithm developed to predict the effect of missense changes on protein structure and function (PolyPhen-2) suggests that this variant is likely to be disruptive. In summary, the available evidence is currently insufficient to determine the role of this variant in disease. Therefore, it has been classified as a Variant of Uncertain Significance.